The following is an entry in ClinVar:

NM_013266.4(CTNNA3):c.880G>A (p.Glu294Lys)

Gene: CTNNA3 (catenin alpha 3; minus strand). Cytogenetic location: 10q21.3.
Variant type: single nucleotide variant.
Coding change: c.880G>A on transcript NM_013266.4 (MANE Select); coding-DNA position 880, G replaced by A.
Protein change: p.Glu294Lys; replaces glutamic acid 294 with lysine.
Molecular consequence: missense variant.
Genome position (GRCh38, 1-based): chr10:67,180,484, C>T on the plus strand (G>A on the coding strand, the complement: CTNNA3 is on the minus strand). VCF-style: chr10-67180484-C-T. GRCh37 (hg19) VCF-style: chr10-68940242-C-T.
Other names: c.880G>A, p.Glu294Lys (NM_001127384.3); c.916G>A, p.Glu306Lys (NM_001291133.2); c.880G>A (NM_013266.2); short protein forms E294K, E306K.
Identifiers: ClinVar variation 409013 (VCV000409013.11), dbSNP rs146475470, ClinGen allele CA5520459.

ClinVar aggregate classification (germline): Uncertain significance. Review status: criteria provided, multiple submitters, no conflicts (2 of 4 stars). 2 submissions from 2 submitters: Uncertain significance (2). Last evaluated 2025-12-21.

Conditions:
Arrhythmogenic right ventricular dysplasia 13. Also called: ARRHYTHMOGENIC RIGHT VENTRICULAR CARDIOMYOPATHY 13; Arrhythmogenic right ventricular dysplasia, familial, 13. Identifiers: MedGen C3810138, MONDO:0000908, OMIM 615616.

Allele frequency attached by ClinVar (database versions not stated): gnomAD exomes 0.00001 and 0.00004; ExAC 0.00002; 1000 Genomes Project 30x 0.00016; 1000 Genomes Project 0.00020; ESP Exome Variant Server 0.00023; gnomAD 0.00027 and 0.00031; TOPMed 0.00041.
gnomAD v4.1: 70 of 1,613,804 alleles (0.0043%); highest among the groups gnomAD compares: African/African-American, 0.063%; no homozygotes.

Submissions (2):

Labcorp Genetics (formerly Invitae), Labcorp
Classification: Uncertain significance for Arrhythmogenic right ventricular dysplasia 13. Last evaluated: 2025-12-21. Review status: criteria provided, single submitter. Criteria: Invitae Variant Classification Sherloc (09022015). Collection method: clinical testing. Allele origin: germline.
Comment: This sequence change replaces glutamic acid, which is acidic and polar, with lysine, which is basic and polar, at codon 294 of the CTNNA3 protein (p.Glu294Lys). This variant is present in population databases (rs146475470, gnomAD 0.05%), and has an allele count higher than expected for a pathogenic variant. This variant has not been reported in the literature in individuals affected with CTNNA3-related conditions. ClinVar contains an entry for this variant (Variation ID: 409013). Invitae Evidence Modeling of protein sequence and biophysical properties (such as structural, functional, and spatial information, amino acid conservation, physicochemical variation, residue mobility, and thermodynamic stability) indicates that this missense variant is not expected to disrupt CTNNA3 protein function with a negative predictive value of 80%. In summary, the available evidence is currently insufficient to determine the role of this variant in disease. Therefore, it has been classified as a Variant of Uncertain Significance.

Ambry Genetics
Classification: Uncertain significance. Last evaluated: 2021-10-06. Review status: criteria provided, single submitter. Criteria: Ambry Variant Classification Scheme 2023. Collection method: clinical testing. Allele origin: germline.